The following is an entry in ClinVar:

NM_004525.3(LRP2):c.7850G>A (p.Arg2617Gln)

Gene: LRP2 (LDL receptor related protein 2; minus strand). Cytogenetic location: 2q31.1.
Variant type: single nucleotide variant.
Coding change: c.7850G>A on transcript NM_004525.3 (MANE Select); coding-DNA position 7850, G replaced by A.
Protein change: p.Arg2617Gln; replaces arginine 2617 with glutamine.
Molecular consequence: missense variant.
Genome position (GRCh38, 1-based): chr2:169,204,137, C>T on the plus strand (G>A on the coding strand, the complement: LRP2 is on the minus strand). VCF-style: chr2-169204137-C-T. GRCh37 (hg19) VCF-style: chr2-170060647-C-T.
Other names: short protein forms R2617Q.
Identifiers: ClinVar variation 2049788 (VCV002049788.1), dbSNP rs534858438, ClinGen allele CA1953993.

ClinVar aggregate classification (germline): Uncertain significance (1 of 4 stars; one submission).

Allele frequency attached by ClinVar (database versions not stated): TOPMed below 0.00001; gnomAD 0.00001; gnomAD exomes 0.00001; ExAC 0.00002.
gnomAD v4.1: 10 of 1,613,990 alleles (0.00062%); highest among the groups gnomAD compares: South Asian, 0.0044%; no homozygotes.

Submission:

Labcorp Genetics (formerly Invitae), Labcorp
Classification: Uncertain significance. Last evaluated: 2022-09-27. Review status: criteria provided, single submitter. Criteria: Invitae Variant Classification Sherloc (09022015). Collection method: clinical testing. Allele origin: germline.
Comment: This sequence change replaces arginine, which is basic and polar, with glutamine, which is neutral and polar, at codon 2617 of the LRP2 protein (p.Arg2617Gln). This variant is present in population databases (rs534858438, gnomAD 0.007%). This variant has not been reported in the literature in individuals affected with LRP2-related conditions. Advanced modeling of protein sequence and biophysical properties (such as structural, functional, and spatial information, amino acid conservation, physicochemical variation, residue mobility, and thermodynamic stability) performed at Invitae indicates that this missense variant is not expected to disrupt LRP2 protein function. In summary, the available evidence is currently insufficient to determine the role of this variant in disease. Therefore, it has been classified as a Variant of Uncertain Significance.